The following is an entry in ClinVar:

ClinVar aggregate classification (germline): Benign/Likely benign. Review status: criteria provided, multiple submitters, no conflicts (2 of 4 stars). 2 submissions from 2 submitters: Benign (1); Likely benign (1). Last evaluated 2024-11-11.

Allele frequency attached by ClinVar (database versions not stated): 1000 Genomes Project 30x 0.00156.

Submissions (2):

Blueprint Genetics
Classification: Likely benign. Last evaluated: 2024-11-11. Review status: criteria provided, single submitter. Criteria: ACMG Guidelines, 2015. Collection method: clinical testing. Allele origin: germline.

CeGaT Center for Human Genetics Tuebingen
Classification: Benign. Last evaluated: 2022-05-01. Review status: criteria provided, single submitter. Criteria: CeGaT Center For Human Genetics Tuebingen Variant Classification Criteria Version 2. Collection method: clinical testing. Allele origin: germline. Affected: yes. Observed: 1 variant allele.
Comment: BICRA: BS1, BS2

NM_001394372.1(BICRA):c.2181G>C (p.Pro727=)

Gene: BICRA (BRD4 interacting chromatin remodeling complex associated protein; plus strand). Cytogenetic location: 19q13.33.
Variant type: single nucleotide variant.
Coding change: c.2181G>C on transcript NM_001394372.1 (MANE Select); coding-DNA position 2181, G replaced by C.
Protein change: p.Pro727=; no amino-acid change (proline 727 retained).
Molecular consequence: synonymous variant.
Genome position (GRCh38, 1-based): chr19:47,682,050, G>C. VCF-style: chr19-47682050-G-C. GRCh37 (hg19) VCF-style: chr19-48185307-G-C.
Other names: c.2181G>C, p.Pro727= (NM_015711.3).
Identifiers: ClinVar variation 2650171 (VCV002650171.25), dbSNP rs200583519, ClinGen allele CA9541856.